The following is an entry in ClinVar:

ClinVar aggregate classification (germline): Likely benign (1 of 4 stars; one submission).

Allele frequency attached by ClinVar (database versions not stated): gnomAD 0.00003; gnomAD exomes 0.00003; TOPMed 0.00005; ExAC 0.00007.
gnomAD v4.1: 48 of 1,609,156 alleles (0.003%); highest among the groups gnomAD compares: Middle Eastern, 0.017%; no homozygotes.

Submission:

CeGaT Center for Human Genetics Tuebingen
Classification: Likely benign. Last evaluated: 2022-12-01. Review status: criteria provided, single submitter. Criteria: CeGaT Center For Human Genetics Tuebingen Variant Classification Criteria Version 2. Collection method: clinical testing. Allele origin: germline. Affected: yes. Observed: 1 variant allele.
Comment: VPS35L: BP4, BP7

NM_020314.7(VPS35L):c.219C>T (p.Leu73=)

Gene: VPS35L (VPS35 endosomal protein sorting factor like; plus strand). Cytogenetic location: 16p12.3.
Variant type: single nucleotide variant.
Coding change: c.219C>T on transcript NM_020314.7 (MANE Select); coding-DNA position 219, C replaced by T.
Protein change: p.Leu73=; no amino-acid change (leucine 73 retained).
Molecular consequence: synonymous variant. On other transcripts: 5 prime UTR variant (1), non-coding transcript variant (2).
Genome position (GRCh38, 1-based): chr16:19,569,525, C>T. VCF-style: chr16-19569525-C-T. GRCh37 (hg19) VCF-style: chr16-19580847-C-T.
Other names: c.219C>T, p.Leu73= (NM_001300743.3, NM_001365293.2, NM_001365294.2); c.-741C>T (NM_001365295.2).
Identifiers: ClinVar variation 2646276 (VCV002646276.24), dbSNP rs779264667, ClinGen allele CA7936000.